The following is an entry in ClinVar:

NM_002029.4(FPR1):c.410G>A (p.Arg137His)

Gene: FPR1 (formyl peptide receptor 1; minus strand). Cytogenetic location: 19q13.41.
Variant type: single nucleotide variant.
Coding change: c.410G>A on transcript NM_002029.4 (MANE Select); coding-DNA position 410, G replaced by A.
Protein change: p.Arg137His; replaces arginine 137 with histidine.
Molecular consequence: missense variant.
Genome position (GRCh38, 1-based): chr19:51,746,585, C>T on the plus strand (G>A on the coding strand, the complement: FPR1 is on the minus strand). VCF-style: chr19-51746585-C-T. GRCh37 (hg19) VCF-style: chr19-52249838-C-T.
Other names: c.410G>A, p.Arg137His (NM_001193306.2); short protein forms R137H.
Identifiers: ClinVar variation 2872194 (VCV002872194.3), dbSNP rs745998725, ClinGen allele CA9616470.
Genomic context (GRCh38, chr19:51,746,585, plus strand): 5'-GTGAGGAGCAGAGCCATCACCCAGGGCCCAATGATCACCTTCTTGGCCAGGCTCACGGTG[C>T]GGTGGTTCTGGGTCCAGACTGGATGCAGGACGCAAACACAGCGGTCCAGAGCAATGAGGG-3'
Protein context (NP_002020.1, residues 127-147): VLHPVWTQNH[Arg137His]TVSLAKKVII

ClinVar aggregate classification (germline): Uncertain significance (1 of 4 stars; one submission).

Conditions:
Gingival disorder. Also called: Gingival disease. Identifiers: MedGen C0017563, MONDO:0002021.

Allele frequency attached by ClinVar (database versions not stated): ExAC 0.00001; gnomAD 0.00001; TOPMed 0.00002.
gnomAD v4.1: 15 of 1,614,038 alleles (0.00093%); highest among the groups gnomAD compares: African/African-American, 0.0027%; no homozygotes.

Submission:

Labcorp Genetics (formerly Invitae), Labcorp
Classification: Uncertain significance for Gingival disorder. Last evaluated: 2024-11-11. Review status: criteria provided, single submitter. Criteria: Invitae Variant Classification Sherloc (09022015). Collection method: clinical testing. Allele origin: germline.
Comment: This sequence change replaces arginine, which is basic and polar, with histidine, which is basic and polar, at codon 137 of the FPR1 protein (p.Arg137His). This variant is present in population databases (rs745998725, gnomAD 0.006%). This variant has not been reported in the literature in individuals affected with FPR1-related conditions. ClinVar contains an entry for this variant (Variation ID: 2872194). An algorithm developed to predict the effect of missense changes on protein structure and function (PolyPhen-2) suggests that this variant is likely to be disruptive. In summary, the available evidence is currently insufficient to determine the role of this variant in disease. Therefore, it has been classified as a Variant of Uncertain Significance.